The following is an entry in ClinVar:

NM_000091.5(COL4A3):c.1911_1912del (p.Pro638fs)

Genes: COL4A3 (collagen type IV alpha 3 chain; plus strand), MFF-DT (MFF divergent transcript; minus strand). Cytogenetic location: 2q36.3.
Variant type: Deletion.
Coding change: c.1911_1912del on transcript NM_000091.5 (MANE Select); coding-DNA positions 1911 to 1912, 2 bases deleted (AC; older notation c.1911_1912delAC).
Protein change: p.Pro638fs; shifts the reading frame from proline 638.
Molecular consequence: frameshift variant.
Genome position (GRCh38, 1-based): chr2:227,273,101-227,273,102, AC deleted. VCF-style (leftmost placement, unchanged base first): chr2-227273100-GAC-G. GRCh37 (hg19) VCF-style: chr2-228137816-GAC-G.
Other names: short protein forms P638fs.
Identifiers: ClinVar variation 4857251 (VCV004857251.1).

ClinVar aggregate classification (germline): Likely pathogenic (1 of 4 stars; one submission).

Conditions:
Autosomal dominant Alport syndrome (ATS3A). Also called: Alport syndrome dominant type; Renal failure and sensorineural hearing loss; ALPORT SYNDROME 3A, AUTOSOMAL DOMINANT. Identifiers: Orphanet 63, Orphanet 88918, MedGen C5882663, MONDO:0007086, OMIM 104200.

Submission:

MVZ Medizinische Genetik Mainz
Classification: Likely pathogenic for Autosomal dominant Alport syndrome. Last evaluated: 2026-06-03. Review status: criteria provided, single submitter. Criteria: UK Practice Guidelines For Variant Classification V4 01 2020. Collection method: clinical testing. Allele origin: germline. Inheritance: Autosomal dominant inheritance. Affected: yes. Observed: 1 variant allele.
Comment: ACMG Criteria: PVS1,PM2_SUP